The following is an entry in ClinVar:

NM_018975.4(TERF2IP):c.149G>T (p.Gly50Val)

Gene: TERF2IP (TERF2 interacting protein; plus strand). Cytogenetic location: 16q23.1.
Variant type: single nucleotide variant.
Coding change: c.149G>T on transcript NM_018975.4 (MANE Select); coding-DNA position 149, G replaced by T.
Protein change: p.Gly50Val; replaces glycine 50 with valine.
Molecular consequence: missense variant. On other transcripts: non-coding transcript variant (1).
Genome position (GRCh38, 1-based): chr16:75,648,031, G>T. VCF-style: chr16-75648031-G-T. GRCh37 (hg19) VCF-style: chr16-75681929-G-T.
Other names: short protein forms G50V.
Identifiers: ClinVar variation 1773961 (VCV001773961.3), dbSNP rs2507072691, ClinGen allele CA396817324.

ClinVar aggregate classification (germline): Uncertain significance (1 of 4 stars; one submission).

Submission:

Ambry Genetics
Classification: Uncertain significance. Last evaluated: 2023-07-21. Review status: criteria provided, single submitter. Criteria: Ambry Variant Classification Scheme 2023. Collection method: clinical testing. Allele origin: germline.
Comment: The p.G50V variant (also known as c.149G>T), located in coding exon 1 of the TERF2IP gene, results from a G to T substitution at nucleotide position 149. The glycine at codon 50 is replaced by valine, an amino acid with dissimilar properties. This amino acid position is conserved. In addition, this alteration is predicted to be deleterious by in silico analysis. Since supporting evidence is limited at this time, the clinical significance of this alteration remains unclear.